The following is an entry in ClinVar:

ClinVar aggregate classification (germline): Uncertain significance. Review status: criteria provided, multiple submitters, no conflicts (2 of 4 stars). 2 submissions from 2 submitters: Uncertain significance (2). Last evaluated 2024-11-07.

Conditions:
Developmental and epileptic encephalopathy 94 (DEE94). Also called: Epileptic encephalopathy, childhood-onset; CHD2-Related Neurodevelopmental Disorders. Identifiers: Orphanet 1942, Orphanet 2382, MedGen C3809278, MONDO:0014150, OMIM 615369.

Allele frequency attached by ClinVar (database versions not stated): gnomAD exomes below 0.00001 and 0.00001.
gnomAD v4.1: 3 of 1,614,038 alleles (0.00019%); highest among the groups gnomAD compares: Admixed American, 0.0017%; no homozygotes.

Submissions (2):

GeneDx
Classification: Uncertain significance. Last evaluated: 2024-11-07. Review status: criteria provided, single submitter. Criteria: GeneDx Variant Classification Process June 2021. Collection method: clinical testing. Allele origin: germline. Affected: yes.
Comment: In silico analysis indicates that this missense variant does not alter protein structure/function; Has not been previously published as pathogenic or benign to our knowledge

Labcorp Genetics (formerly Invitae), Labcorp
Classification: Uncertain significance for Developmental and epileptic encephalopathy 94. Last evaluated: 2023-08-17. Review status: criteria provided, single submitter. Criteria: Invitae Variant Classification Sherloc (09022015). Collection method: clinical testing. Allele origin: germline.
Comment: In summary, the available evidence is currently insufficient to determine the role of this variant in disease. Therefore, it has been classified as a Variant of Uncertain Significance. Advanced modeling of protein sequence and biophysical properties (such as structural, functional, and spatial information, amino acid conservation, physicochemical variation, residue mobility, and thermodynamic stability) performed at Invitae indicates that this missense variant is not expected to disrupt CHD2 protein function. ClinVar contains an entry for this variant (Variation ID: 1441392). This missense change has been observed in individual(s) with clinical features of CHD2-related conditions (Invitae). This variant is present in population databases (no rsID available, gnomAD 0.003%). This sequence change replaces glutamic acid, which is acidic and polar, with aspartic acid, which is acidic and polar, at codon 952 of the CHD2 protein (p.Glu952Asp).

NM_001271.4(CHD2):c.2856A>T (p.Glu952Asp)

Gene: CHD2 (chromodomain helicase DNA binding protein 2; plus strand). Cytogenetic location: 15q26.1.
Variant type: single nucleotide variant.
Coding change: c.2856A>T on transcript NM_001271.4 (MANE Select); coding-DNA position 2856, A replaced by T.
Protein change: p.Glu952Asp; replaces glutamic acid 952 with aspartic acid.
Molecular consequence: missense variant.
Genome position (GRCh38, 1-based): chr15:92,979,263, A>T. VCF-style: chr15-92979263-A-T. GRCh37 (hg19) VCF-style: chr15-93522493-A-T.
Other names: c.2856A>T (NM_001271.3); short protein forms E952D.
Identifiers: ClinVar variation 1441392 (VCV001441392.7), dbSNP rs1388780876, ClinGen allele CA393894288.